The following is an entry in ClinVar:

NM_001135649.3(FOXI3):c.703C>T (p.Arg235Cys)

Gene: FOXI3 (forkhead box I3; minus strand). Cytogenetic location: 2p11.2.
Variant type: single nucleotide variant.
Coding change: c.703C>T on transcript NM_001135649.3 (MANE Select); coding-DNA position 703, C replaced by T.
Protein change: p.Arg235Cys; replaces arginine 235 with cysteine.
Molecular consequence: missense variant.
Genome position (GRCh38, 1-based): chr2:88,448,767, G>A on the plus strand (C>T on the coding strand, the complement: FOXI3 is on the minus strand). VCF-style: chr2-88448767-G-A. GRCh37 (hg19) VCF-style: chr2-88748286-G-A.
Other names: short protein forms R235C.
Identifiers: ClinVar variation 2430158 (VCV002430158.4), dbSNP rs1316696594, ClinGen allele CA347765448.

ClinVar aggregate classification (germline): Likely pathogenic (0 of 4 stars; one submission).

Conditions:
Craniofacial microsomia 1 (CFM1). Also called: Hemifacial microsomia. Identifiers: Orphanet 374, MedGen C3495417, MONDO:0958175, OMIM 164210.

Allele frequency attached by ClinVar (database versions not stated): gnomAD exomes below 0.00001.

Submission:

ZhangYB Lab, Beihang University
Classification: Likely pathogenic for Craniofacial microsomia 1. Last evaluated: 2022-03-06. Review status: no assertion criteria provided. Collection method: research. Allele origin: germline, not applicable. Inheritance: Sporadic. Affected: yes. Observed: 1 heterozygote.